The following is an entry in ClinVar:

ClinVar aggregate classification (germline): Uncertain significance (1 of 4 stars; one submission).

Conditions:
Inborn genetic diseases. Identifiers: MedGen C0950123, MeSH D030342.

gnomAD v4.1: 8 of 1,613,610 alleles (0.0005%); highest among the groups gnomAD compares: East Asian, 0.0022%; no homozygotes.

Submission:

Ambry Genetics
Classification: Uncertain significance for Inborn genetic diseases. Last evaluated: 2025-09-30. Review status: criteria provided, single submitter. Criteria: Ambry Variant Classification Scheme 2023. Collection method: clinical testing. Allele origin: germline.
Comment: The c.2524G>A (p.E842K) alteration is located in exon 15 (coding exon 15) of the GRIA2 gene. This alteration results from a G to A substitution at nucleotide position 2524, causing the glutamic acid (E) at amino acid position 842 to be replaced by a lysine (K). Based on data from gnomAD, the A allele has an overall frequency of <0.001% (1/251244) total alleles studied. The highest observed frequency was 0.001% (1/113614) of European (non-Finnish) alleles. Based on insufficient or conflicting evidence, the clinical significance of this alteration remains unclear.

NM_001083619.3(GRIA2):c.2524G>A (p.Glu842Lys)

Gene: GRIA2 (glutamate ionotropic receptor AMPA type subunit 2; plus strand). Cytogenetic location: 4q32.1.
Variant type: single nucleotide variant.
Coding change: c.2524G>A on transcript NM_001083619.3 (MANE Select); coding-DNA position 2524, G replaced by A.
Protein change: p.Glu842Lys; replaces glutamic acid 842 with lysine.
Molecular consequence: missense variant.
Genome position (GRCh38, 1-based): chr4:157,362,916, G>A. VCF-style: chr4-157362916-G-A. GRCh37 (hg19) VCF-style: chr4-158284068-G-A.
Other names: c.2524G>A, p.Glu842Lys (NM_000826.6); c.2383G>A, p.Glu795Lys (NM_001083620.3, NM_001379000.3, NM_001379001.3); short protein forms E842K, E795K.
Identifiers: ClinVar variation 4621112 (VCV004621112.1).